The following is an entry in ClinVar:

NM_001113378.2(FANCI):c.3652-1G>T

Gene: FANCI (FA complementation group I; plus strand). Cytogenetic location: 15q26.1.
Variant type: single nucleotide variant.
Coding change: c.3652-1G>T on transcript NM_001113378.2 (MANE Select); the canonical splice acceptor site of the intron before coding-DNA position 3652, G replaced by T.
Molecular consequence: splice acceptor variant.
Genome position (GRCh38, 1-based): chr15:89,312,903, G>T. VCF-style: chr15-89312903-G-T. GRCh37 (hg19) VCF-style: chr15-89856134-G-T.
Other names: c.3472-1G>T (NM_018193.3); c.3652-1G>T (NM_001376911.1); c.3373-1G>T (NM_001376910.1).
Identifiers: ClinVar variation 2171273 (VCV002171273.5), dbSNP rs2055026560, ClinGen allele CA393742582.

ClinVar aggregate classification (germline): Likely pathogenic. Review status: criteria provided, multiple submitters, no conflicts (2 of 4 stars). 2 submissions from 2 submitters: Likely pathogenic (2). Last evaluated 2026-03-13.

Conditions:
Fanconi anemia (FA). Also called: Fanconi's anemia. Identifiers: Orphanet 84, MedGen C0015625, MeSH D005199, MONDO:0019391.

Allele frequency attached by ClinVar (database versions not stated): TOPMed below 0.00001; gnomAD 0.00001.
gnomAD v4.1: 1 of 1,612,034 alleles (0.000062%); highest among the groups gnomAD compares: Non-Finnish European, 0.000085%; no homozygotes.

Submissions (2):

GeneDx
Classification: Likely pathogenic. Last evaluated: 2026-03-13. Review status: criteria provided, single submitter. Criteria: GeneDx Variant Classification Process June 2021. Collection method: clinical testing. Allele origin: germline.
Comment: Canonical splice site variant predicted to result in an in-frame loss of the adjacent exon in a gene for which loss of function is a known mechanism of disease; Not observed at significant frequency in large population cohorts (gnomAD); Has not been previously published as pathogenic or benign in association with FANCI-related Fanconi anemia to our knowledge; This variant is associated with the following publications: (PMID: 32235514)

Labcorp Genetics (formerly Invitae), Labcorp
Classification: Likely pathogenic for Fanconi anemia. Last evaluated: 2023-07-16. Review status: criteria provided, single submitter. Criteria: Invitae Variant Classification Sherloc (09022015). Collection method: clinical testing. Allele origin: germline.
Comment: In summary, the currently available evidence indicates that the variant is pathogenic, but additional data are needed to prove that conclusively. Therefore, this variant has been classified as Likely Pathogenic. Algorithms developed to predict the effect of sequence changes on RNA splicing suggest that this variant may disrupt the consensus splice site. ClinVar contains an entry for this variant (Variation ID: 2171273). Disruption of this splice site has been observed in individual(s) with clinical features of FANCI-related conditions (PMID: 32235514). This variant is not present in population databases (gnomAD no frequency). This sequence change affects an acceptor splice site in intron 34 of the FANCI gene. It is expected to disrupt RNA splicing. Variants that disrupt the donor or acceptor splice site typically lead to a loss of protein function (PMID: 16199547), and loss-of-function variants in FANCI are known to be pathogenic (PMID: 17452773, 17460694).

Literature cited by the submitters: PubMed 32235514 (cited by Labcorp Genetics (formerly Invitae), Labcorp); PubMed 16199547 (cited by Labcorp Genetics (formerly Invitae), Labcorp); PubMed 17452773 (cited by Labcorp Genetics (formerly Invitae), Labcorp); PubMed 17460694 (cited by Labcorp Genetics (formerly Invitae), Labcorp).